The following is an entry in ClinVar:

ClinVar aggregate classification (germline): Conflicting classifications of pathogenicity. Review status: criteria provided, conflicting classifications (1 of 4 stars). 2 submissions from 2 submitters: Uncertain significance (1); Likely benign (1). Last evaluated 2024-09-20.

Conditions:
Holoprosencephaly 5 (HPE5). Identifiers: Orphanet 2162, MedGen C1864827, MONDO:0012322, OMIM 609637.

Submissions (2):

3billion
Classification: Likely benign for Holoprosencephaly 5. Last evaluated: 2024-09-20. Review status: criteria provided, single submitter. Criteria: ACMG Guidelines, 2015. Collection method: clinical testing. Allele origin: germline. Affected: no.
Comment: The variant was identified in at least one patient who was diagnosed with a different variant in another gene and showed no symptoms related to the gene containing the variant in question.

Victorian Clinical Genetics Services, Murdoch Childrens Research Institute
Classification: Uncertain significance for Holoprosencephaly 5. Last evaluated: 2022-09-02. Review status: criteria provided, single submitter. Criteria: ACMG Guidelines, 2015. Collection method: clinical testing. Allele origin: germline. Inheritance: Autosomal dominant inheritance. Affected: yes.
Comment: Based on the classification scheme VCGS_Germline_v1.3.4, this variant is classified as VUS-3C. Following criteria are met: 0103 - Loss of function and gain of function are known mechanisms of disease in this gene and are associated with holoprosencephaly 5 (MIM#609637). Missense variants and polyAla tract alterations have been proven to both increase and decrease transactivation activity (PMID: 15590697). (I) 0107 - This gene is associated with autosomal dominant disease. (I) 0200 - Variant is predicted to result in a missense amino acid change from serine to asparagine. (I) 0251 - This variant is heterozygous. (I) 0301 - Variant is absent from gnomAD (both v2 and v3). (SP) 0503 - Missense variant consistently predicted to be tolerated by multiple in silico tools or not conserved in placental mammals with a minor amino acid change. (SB) 0600 - Variant is located in the annotated zinc finger domain (DECIPHER). (I) 0705 - No comparable missense variants have previous evidence for pathogenicity. (I) 0807 - This variant has no previous evidence of pathogenicity. (I) 0905 - No published segregation evidence has been identified for this variant. (I) 1007 - No published functional evidence has been identified for this variant. (I) 1208 - Inheritance information for this variant is not currently available in this individual. (I) Legend: (SP) - Supporting pathogenic, (I) - Information, (SB) - Supporting benign

Literature cited by the submitters: PubMed 15590697 (cited by Victorian Clinical Genetics Services, Murdoch Childrens Research Institute).

NM_007129.5(ZIC2):c.800G>A (p.Ser267Asn)

Gene: ZIC2 (Zic family member 2; plus strand). Cytogenetic location: 13q32.3.
Variant type: single nucleotide variant.
Coding change: c.800G>A on transcript NM_007129.5 (MANE Select); coding-DNA position 800, G replaced by A.
Protein change: p.Ser267Asn; replaces serine 267 with asparagine.
Molecular consequence: missense variant.
Genome position (GRCh38, 1-based): chr13:99,982,864, G>A. VCF-style: chr13-99982864-G-A. GRCh37 (hg19) VCF-style: chr13-100635118-G-A.
Other names: short protein forms S267N.
Identifiers: ClinVar variation 1806002 (VCV001806002.2), dbSNP rs2501544777, ClinGen allele CA388638100.